The following is an entry in ClinVar:

NM_015089.4(CUL9):c.6738C>T (p.Asn2246=)

Gene: CUL9 (cullin 9; plus strand). Cytogenetic location: 6p21.1.
Variant type: single nucleotide variant.
Coding change: c.6738C>T on transcript NM_015089.4 (MANE Select); coding-DNA position 6738, C replaced by T.
Protein change: p.Asn2246=; no amino-acid change (asparagine 2246 retained).
Molecular consequence: synonymous variant.
Genome position (GRCh38, 1-based): chr6:43,221,307, C>T. VCF-style: chr6-43221307-C-T. GRCh37 (hg19) VCF-style: chr6-43189045-C-T.
Identifiers: ClinVar variation 3042491 (VCV003042491.2), dbSNP rs144850140, ClinGen allele CA3818739.

ClinVar aggregate classification (germline): Likely benign (0 of 4 stars; one submission).

Conditions:
CUL9-related disorder. Also called: CUL9-related condition.

Allele frequency attached by ClinVar (database versions not stated): 1000 Genomes Project 30x 0.00016; gnomAD exomes 0.00019; 1000 Genomes Project 0.00020; ExAC 0.00027; TOPMed 0.00029; ESP Exome Variant Server 0.00031; gnomAD 0.00038.

Submission:

PreventionGenetics, part of Exact Sciences
Classification: Likely benign for CUL9-related condition. Last evaluated: 2019-03-27. Review status: no assertion criteria provided. Collection method: clinical testing. Allele origin: germline.
Comment: This variant is classified as likely benign based on ACMG/AMP sequence variant interpretation guidelines (Richards et al. 2015 PMID: 25741868, with internal and published modifications).